The following is an entry in ClinVar:

NM_000075.4(CDK4):c.501C>T (p.Tyr167=)

Gene: CDK4 (cyclin dependent kinase 4; minus strand). Cytogenetic location: 12q14.1.
Variant type: single nucleotide variant.
Coding change: c.501C>T on transcript NM_000075.4 (MANE Select); coding-DNA position 501, C replaced by T.
Protein change: p.Tyr167=; no amino-acid change (tyrosine 167 retained).
Molecular consequence: synonymous variant.
Genome position (GRCh38, 1-based): chr12:57,750,944, G>A on the plus strand (C>T on the coding strand, the complement: CDK4 is on the minus strand). VCF-style: chr12-57750944-G-A. GRCh37 (hg19) VCF-style: chr12-58144727-G-A.
Identifiers: ClinVar variation 463469 (VCV000463469.19), dbSNP rs1316207187, ClinGen allele CA480404381.

ClinVar aggregate classification (germline): Benign/Likely benign. Review status: criteria provided, multiple submitters, no conflicts (2 of 4 stars). 4 submissions from 4 submitters: Benign (1); Likely benign (2). 1 of the submissions does not count toward it. Last evaluated 2025-08-29.

Conditions:
Familial melanoma. Also called: Hereditary melanoma; Hereditary cutaneous melanoma. Identifiers: Orphanet 618, MedGen C1512419, MONDO:0018961.
Melanoma, cutaneous malignant, susceptibility to, 3. Also called: Cutaneous malignant melanoma 3. Identifiers: Orphanet 618, MedGen C1836892, MONDO:0012183, OMIM 609048.
CDK4-related disorder. Also called: CDK4-related condition.
Hereditary cancer-predisposing syndrome. Also called: Neoplastic Syndromes, Hereditary; Hereditary Cancer Syndrome; Hereditary neoplastic syndrome; Tumor predisposition. Identifiers: Orphanet 140162, MedGen C0027672, MeSH D009386, MONDO:0015356.

Allele frequency attached by ClinVar (database versions not stated): gnomAD exomes below 0.00001; gnomAD 0.00001; TOPMed 0.00001.

Submissions (4):

Labcorp Genetics (formerly Invitae), Labcorp
Classification: Likely benign for Familial melanoma. Last evaluated: 2025-08-29. Review status: criteria provided, single submitter. Criteria: Invitae Variant Classification Sherloc (09022015). Collection method: clinical testing. Allele origin: germline.

Myriad Genetics, Inc.
Classification: Benign for Melanoma, cutaneous malignant, susceptibility to, 3. Last evaluated: 2024-09-25. Review status: criteria provided, single submitter. Criteria: Myriad Autosomal Dominant, Autosomal Recessive and X-Linked Classification Criteria (2023). Collection method: clinical testing. Allele origin: unknown.
Comment: This variant is considered benign. This variant is a silent/synonymous amino acid change and it is not expected to impact splicing.

Ambry Genetics
Classification: Likely benign for Hereditary cancer-predisposing syndrome. Last evaluated: 2016-06-20. Review status: criteria provided, single submitter. Criteria: Ambry Variant Classification Scheme 2023. Collection method: clinical testing. Allele origin: germline.

PreventionGenetics, part of Exact Sciences
Classification: Likely benign for CDK4-related condition. Last evaluated: 2020-01-29. Review status: no assertion criteria provided. Collection method: clinical testing. Allele origin: germline. Not counted in ClinVar's aggregate classification.
Comment: This variant is classified as likely benign based on ACMG/AMP sequence variant interpretation guidelines (Richards et al. 2015 PMID: 25741868, with internal and published modifications).